The following is an entry in ClinVar:

NM_005876.5(SPEG):c.5774A>T (p.Glu1925Val)

Genes: ASIC4-AS1 (ASIC4 antisense RNA 1; minus strand), SPEG (striated muscle enriched protein kinase; plus strand). Cytogenetic location: 2q35.
Variant type: single nucleotide variant.
Coding change: c.5774A>T on transcript NM_005876.5 (MANE Select); coding-DNA position 5774, A replaced by T.
Protein change: p.Glu1925Val; replaces glutamic acid 1925 with valine.
Molecular consequence: missense variant.
Genome position (GRCh38, 1-based): chr2:219,483,237, A>T. VCF-style: chr2-219483237-A-T. GRCh37 (hg19) VCF-style: chr2-220347959-A-T.
Other names: short protein forms E1925V.
Identifiers: ClinVar variation 2102586 (VCV002102586.4), dbSNP rs2545924257, ClinGen allele CA350693499.

ClinVar aggregate classification (germline): Uncertain significance (1 of 4 stars; one submission).

Submission:

Labcorp Genetics (formerly Invitae), Labcorp
Classification: Uncertain significance. Last evaluated: 2022-02-23. Review status: criteria provided, single submitter. Criteria: Invitae Variant Classification Sherloc (09022015). Collection method: clinical testing. Allele origin: germline.
Comment: This sequence change replaces glutamic acid, which is acidic and polar, with valine, which is neutral and non-polar, at codon 1925 of the SPEG protein (p.Glu1925Val). This variant is not present in population databases (gnomAD no frequency). This variant has not been reported in the literature in individuals affected with SPEG-related conditions. Algorithms developed to predict the effect of missense changes on protein structure and function are either unavailable or do not agree on the potential impact of this missense change (SIFT: "Deleterious"; PolyPhen-2: "Probably Damaging"; Align-GVGD: "Class C0"). In summary, the available evidence is currently insufficient to determine the role of this variant in disease. Therefore, it has been classified as a Variant of Uncertain Significance.